The following is an entry in ClinVar:

NM_000312.3(PROC):c.-97_-91delGTTATGG

Gene: PROC (protein C, inactivator of coagulation factors Va and VIIIa; plus strand). Cytogenetic location: 2q14.3.
Variant type: Deletion.
Coding change: c.-97_-91delGTTATGG on transcript NM_000312.3; 97 bases upstream of the start codon through 91 bases upstream of the start codon, 7 bases deleted (GTTATGG).
Genome position (GRCh38, 1-based): chr2:127,418,417-127,418,423, GTTATGG deleted; deleting any 7 consecutive bases within chr2:127,418,416-127,418,423 gives the same sequence; the c. name uses the placement nearest the transcript's 3' end. VCF-style (leftmost placement, unchanged base first): chr2-127418415-TGGTTATG-T. GRCh37 (hg19) VCF-style: chr2-128175991-TGGTTATG-T.
Identifiers: ClinVar variation 546153 (VCV000546153.4), dbSNP rs1553423061, ClinGen allele CA658822089.

ClinVar aggregate classification (germline): Likely pathogenic (1 of 4 stars; one submission).

Submission:

GeneDx
Classification: Likely pathogenic. Last evaluated: 2018-05-01. Review status: criteria provided, single submitter. Criteria: GeneDx Variant Classification (06012015). Collection method: clinical testing. Allele origin: germline. Affected: yes.
Comment: The c.-97_-91delGTTATGG variant in the PROC gene has not been reported previously as a pathogenic variant nor as a benign variant, to our knowledge. The c.-97_-91delGTTATGG deletion occurs across the promoter and the 5'UTR of the PROC transcript. The c.-97_-91delGTTATGG variant is not observed in large population cohorts (Lek et al., 2016). We interpret c.-97_-91delGTTATGG as a likely pathogenic variant.